The following is an entry in ClinVar:

ClinVar aggregate classification (germline): Uncertain significance (1 of 4 stars; one submission).

Conditions:
Sialuria. Also called: SIALURIA, FRENCH TYPE; Sialic Acid Storage Disease. Identifiers: Orphanet 3166, MedGen C0342853, MONDO:0010028, OMIM 269921.
GNE myopathy (NM). Also called: NONAKA DISTAL MYOPATHY; MYOPATHY, DISTAL, WITH OR WITHOUT RIMMED VACUOLES; INCLUSION BODY MYOPATHY, HEREDITARY, AUTOSOMAL RECESSIVE; INCLUSION BODY MYOPATHY 2, AUTOSOMAL RECESSIVE; IBM 2; Inclusion body myopathy autosomal recessive. Identifiers: Orphanet 602, MedGen C1853926, MONDO:0011603, OMIM 605820.

gnomAD v4.1: 5 of 1,606,614 alleles (0.00031%); highest among the groups gnomAD compares: East Asian, 0.0089%; no homozygotes.

Submission:

Labcorp Genetics (formerly Invitae), Labcorp
Classification: Uncertain significance for Sialuria; GNE myopathy. Last evaluated: 2021-08-24. Review status: criteria provided, single submitter. Criteria: Invitae Variant Classification Sherloc (09022015). Collection method: clinical testing. Allele origin: germline.
Comment: This sequence change replaces methionine with valine at codon 457 of the GNE protein (p.Met457Val). The methionine residue is highly conserved and there is a small physicochemical difference between methionine and valine. This variant is not present in population databases (ExAC no frequency). This variant has not been reported in the literature in individuals affected with GNE-related conditions. Algorithms developed to predict the effect of missense changes on protein structure and function are either unavailable or do not agree on the potential impact of this missense change (SIFT: "Deleterious"; PolyPhen-2: "Benign"; Align-GVGD: "Class C15"). In summary, the available evidence is currently insufficient to determine the role of this variant in disease. Therefore, it has been classified as a Variant of Uncertain Significance.

NM_005476.7(GNE):c.1276A>G (p.Met426Val)

Gene: GNE (glucosamine (UDP-N-acetyl)-2-epimerase/N-acetylmannosamine kinase; minus strand). Cytogenetic location: 9p13.3.
Variant type: single nucleotide variant.
Coding change: c.1276A>G on transcript NM_005476.7 (MANE Select); coding-DNA position 1276, A replaced by G.
Protein change: p.Met426Val; replaces methionine 426 with valine.
Molecular consequence: missense variant.
Genome position (GRCh38, 1-based): chr9:36,227,253, T>C on the plus strand (A>G on the coding strand, the complement: GNE is on the minus strand). VCF-style: chr9-36227253-T-C. GRCh37 (hg19) VCF-style: chr9-36227250-T-C.
Other names: c.1369A>G, p.Met457Val (NM_001128227.3); c.1276A>G, p.Met426Val (NM_001190383.3); c.946A>G, p.Met316Val (NM_001190384.3); c.1099A>G, p.Met367Val (NM_001190388.2, NM_001374798.1); c.1123A>G, p.Met375Val (NM_001374797.1); short protein forms M457V, M426V, M316V, M367V, M375V.
Identifiers: ClinVar variation 460450 (VCV000460450.6), dbSNP rs750404513, ClinGen allele CA373428477.